The following is an entry in ClinVar:

ClinVar aggregate classification (germline): Uncertain significance. Review status: criteria provided, multiple submitters, no conflicts (2 of 4 stars). 2 submissions from 2 submitters: Uncertain significance (2). Last evaluated 2024-07-10.

Allele frequency attached by ClinVar (database versions not stated): gnomAD exomes below 0.00001; TOPMed 0.00001; ExAC 0.00001.
gnomAD v4.1: 12 of 1,614,210 alleles (0.00074%); highest among the groups gnomAD compares: African/African-American, 0.0013%; no homozygotes.

Submissions (2):

Women's Health and Genetics/Laboratory Corporation of America, LabCorp
Classification: Uncertain significance. Last evaluated: 2024-07-10. Review status: criteria provided, single submitter. Criteria: LabCorp Variant Classification Summary - May 2015. Collection method: clinical testing. Allele origin: germline.
Comment: Variant summary: UGT1A1 c.1001T>A (p.Leu334Gln) results in a non-conservative amino acid change in the encoded protein sequence. Five of five in-silico tools predict a damaging effect of the variant on protein function. The variant allele was found at a frequency of 4e-06 in 249054 control chromosomes (gnomAD). The available data on variant occurrences in the general population are insufficient to allow any conclusion about variant significance. c.1001T>A has been reported in the literature in an individual affected with Crigler-Najjar syndrome (Moyer_2017). These data do not allow any conclusion about variant significance. To our knowledge, no experimental evidence demonstrating an impact on protein function has been reported. The following publication has been ascertained in the context of this evaluation (PMID: 28213806). ClinVar contains an entry for this variant (Variation ID: 499349). Based on the evidence outlined above, the variant was classified as uncertain significance.

Eurofins Ntd Llc (ga)
Classification: Uncertain significance. Last evaluated: 2016-12-20. Review status: criteria provided, single submitter. Criteria: EGL Classification Definitions 2015. Collection method: clinical testing. Allele origin: germline. Observed: 1 variant allele, 1 heterozygote.

Literature cited by the submitters: PubMed 28213806 (cited by Women's Health and Genetics/Laboratory Corporation of America, LabCorp).

NM_000463.3(UGT1A1):c.1001T>A (p.Leu334Gln)

Genes: UGT1A3 (UDP glucuronosyltransferase family 1 member A3; plus strand), UGT1A7 (UDP glucuronosyltransferase family 1 member A7; plus strand), UGT1A8 (UDP glucuronosyltransferase family 1 member A8; plus strand), UGT1A9 (UDP glucuronosyltransferase family 1 member A9; plus strand), UGT1A10 (UDP glucuronosyltransferase family 1 member A10; plus strand) and 5 more. Cytogenetic location: 2q37.1.
Variant type: single nucleotide variant.
Coding change: c.1001T>A on transcript NM_000463.3 (MANE Select); coding-DNA position 1001, T replaced by A.
Protein change: p.Leu334Gln; replaces leucine 334 with glutamine.
Molecular consequence: missense variant.
Genome position (GRCh38, 1-based): chr2:233,767,853, T>A. VCF-style: chr2-233767853-T-A. GRCh37 (hg19) VCF-style: chr2-234676499-T-A.
Other names: c.992T>A, p.Leu331Gln (NM_019075.4, NM_019076.5, NM_019077.3 and 1 more transcripts); c.998T>A, p.Leu333Gln (NM_001072.4); c.197T>A, p.Leu66Gln (NM_205862.3); c.1004T>A, p.Leu335Gln (NM_019078.2, NM_007120.3, NM_019093.4); short protein forms L334Q, L66Q, L333Q, L331Q, L335Q.
Identifiers: ClinVar variation 499349 (VCV000499349.6), dbSNP rs757687307, ClinGen allele CA2179962.